The following is an entry in ClinVar:

NM_001375567.1(FOCAD):c.1703C>G (p.Ser568Cys)

Gene: FOCAD (focadhesin; plus strand). Cytogenetic location: 9p21.3.
Variant type: single nucleotide variant.
Coding change: c.1703C>G on transcript NM_001375567.1 (MANE Select); coding-DNA position 1703, C replaced by G.
Protein change: p.Ser568Cys; replaces serine 568 with cysteine.
Molecular consequence: missense variant.
Genome position (GRCh38, 1-based): chr9:20,820,981, C>G. VCF-style: chr9-20820981-C-G. GRCh37 (hg19) VCF-style: chr9-20820980-C-G.
Other names: c.1598C>G, p.Ser533Cys (NM_001375568.1, NM_001375570.1); c.1703C>G, p.Ser568Cys (NM_017794.5); short protein forms S568C, S533C.
Identifiers: ClinVar variation 3718448 (VCV003718448.2).

ClinVar aggregate classification (germline): Uncertain significance (1 of 4 stars; one submission).

gnomAD v4.1: 1 of 1,612,682 alleles (0.000062%); highest among the groups gnomAD compares: African/African-American, 0.0013%; no homozygotes.

Submission:

Labcorp Genetics (formerly Invitae), Labcorp
Classification: Uncertain significance. Last evaluated: 2024-07-30. Review status: criteria provided, single submitter. Criteria: Invitae Variant Classification Sherloc (09022015). Collection method: clinical testing. Allele origin: germline.
Comment: This sequence change replaces serine, which is neutral and polar, with cysteine, which is neutral and slightly polar, at codon 568 of the FOCAD protein (p.Ser568Cys). This variant is not present in population databases (gnomAD no frequency). This variant has not been reported in the literature in individuals affected with FOCAD-related conditions. Experimental studies and prediction algorithms are not available or were not evaluated, and the functional significance of this variant is currently unknown. In summary, the available evidence is currently insufficient to determine the role of this variant in disease. Therefore, it has been classified as a Variant of Uncertain Significance.